The following is an entry in ClinVar:

NM_001370259.2(MEN1):c.195C>T (p.Pro65=)

Gene: MEN1 (menin 1; minus strand). Cytogenetic location: 11q13.1.
Variant type: single nucleotide variant.
Coding change: c.195C>T on transcript NM_001370259.2 (MANE Select); coding-DNA position 195, C replaced by T.
Protein change: p.Pro65=; no amino-acid change (proline 65 retained).
Molecular consequence: synonymous variant.
Genome position (GRCh38, 1-based): chr11:64,809,915, G>A on the plus strand (C>T on the coding strand, the complement: MEN1 is on the minus strand). VCF-style: chr11-64809915-G-A. GRCh37 (hg19) VCF-style: chr11-64577387-G-A.
Other names: c.195C>T, p.Pro65= (NM_130799.3, NM_130800.3, NM_130801.3 and 9 more transcripts).
Identifiers: ClinVar variation 1665818 (VCV001665818.9), dbSNP rs1438097332, ClinGen allele CA475163861.

ClinVar aggregate classification (germline): Benign/Likely benign. Review status: criteria provided, multiple submitters, no conflicts (2 of 4 stars). 2 submissions from 2 submitters: Benign (1); Likely benign (1). Last evaluated 2024-10-31.

Conditions:
Multiple endocrine neoplasia, type 1 (MEN1). Also called: MEA I; MEN I; WERMER SYNDROME; Endocrine adenomatosis multiple; MEN 1. Identifiers: Orphanet 652, MedGen C0025267, MeSH D018761, MONDO:0007540, OMIM 131100.

Allele frequency attached by ClinVar (database versions not stated): gnomAD exomes below 0.00001.
gnomAD v4.1: 1 of 1,587,054 alleles (0.000063%); highest among the groups gnomAD compares: Admixed American, 0.0018%; no homozygotes.

Submissions (2):

Myriad Genetics, Inc.
Classification: Benign for Multiple endocrine neoplasia, type 1. Last evaluated: 2024-10-31. Review status: criteria provided, single submitter. Criteria: Myriad Autosomal Dominant, Autosomal Recessive and X-Linked Classification Criteria (2023). Collection method: clinical testing. Allele origin: unknown.
Comment: This variant is considered benign. This variant is a silent/synonymous amino acid change and it is not expected to impact splicing.

Labcorp Genetics (formerly Invitae), Labcorp
Classification: Likely benign for Multiple endocrine neoplasia, type 1. Last evaluated: 2022-07-02. Review status: criteria provided, single submitter. Criteria: Invitae Variant Classification Sherloc (09022015). Collection method: clinical testing. Allele origin: germline.